The following is an entry in ClinVar:

NM_030773.4(TUBB1):c.844C>T (p.Arg282Ter)

Gene: TUBB1 (tubulin beta 1 class VI; plus strand). Cytogenetic location: 20q13.32.
Variant type: single nucleotide variant.
Coding change: c.844C>T on transcript NM_030773.4 (MANE Select); coding-DNA position 844, C replaced by T.
Protein change: p.Arg282Ter; replaces arginine 282 with a stop codon.
Molecular consequence: nonsense.
Genome position (GRCh38, 1-based): chr20:59,024,271, C>T. VCF-style: chr20-59024271-C-T. GRCh37 (hg19) VCF-style: chr20-57599326-C-T.
Other names: short protein forms R282*.
Identifiers: ClinVar variation 2634318 (VCV002634318.6), dbSNP rs145922879, ClinGen allele CA9928596.

ClinVar aggregate classification (germline): Conflicting classifications of pathogenicity. Review status: criteria provided, conflicting classifications (1 of 4 stars). 3 submissions from 3 submitters: Likely pathogenic (1); Uncertain significance (1). 1 of the submissions does not count toward it. Last evaluated 2025-03-04.

Conditions:
TUBB1-related disorder. Also called: TUBB1-related condition.
Macrothrombocytopenia, isolated, 1, autosomal dominant (MACTHC1). Also called: Autosomal dominant macrothrombocytopenia TUBB1-related. Identifiers: Orphanet 140957, MedGen C5676892, MONDO:0800047, OMIM 613112.

Allele frequency attached by ClinVar (database versions not stated): ESP Exome Variant Server 0.00008; gnomAD 0.00004; ExAC 0.00003; gnomAD exomes 0.00001; TOPMed 0.00003.

Submissions (3):

Labcorp Genetics (formerly Invitae), Labcorp
Classification: Uncertain significance. Last evaluated: 2025-03-04. Review status: criteria provided, single submitter. Criteria: Invitae Variant Classification Sherloc (09022015). Collection method: clinical testing. Allele origin: germline.
Comment: This sequence change creates a premature translational stop signal (p.Arg282*) in the TUBB1 gene. While this is not anticipated to result in nonsense mediated decay, it is expected to disrupt the last 170 amino acid(s) of the TUBB1 protein. This variant is present in population databases (rs145922879, gnomAD 0.006%). This premature translational stop signal has been observed in individual(s) with thrombocytopenia (PMID: 32757236). ClinVar contains an entry for this variant (Variation ID: 2634318). In summary, the available evidence is currently insufficient to determine the role of this variant in disease. Therefore, it has been classified as a Variant of Uncertain Significance.

Revvity Omics, Revvity
Classification: Likely pathogenic for Macrothrombocytopenia, isolated, 1, autosomal dominant. Last evaluated: 2024-12-26. Review status: criteria provided, single submitter. Criteria: ACMG Guidelines, 2015. Collection method: clinical testing. Allele origin: germline.

PreventionGenetics, part of Exact Sciences
Classification: Likely pathogenic for TUBB1-related condition. Last evaluated: 2024-08-13. Review status: no assertion criteria provided. Collection method: clinical testing. Allele origin: germline. Not counted in ClinVar's aggregate classification.
Comment: The TUBB1 c.844C>T variant is predicted to result in premature protein termination (p.Arg282*). This variant has been reported in an individual with isolated nonsyndromic thrombocytopenia (Guéguen et al. 2020. PubMed ID: 32757236). This variant is reported in 0.0054% of alleles in individuals of European (non-Finnish) descent in gnomAD. Nonsense variants in TUBB1 are expected to be pathogenic. This variant is interpreted as likely pathogenic.

Literature cited by the submitters: PubMed 32757236 (cited by Labcorp Genetics (formerly Invitae), Labcorp).